The following is an entry in ClinVar:

ClinVar aggregate classification (germline): Conflicting classifications of pathogenicity. Review status: criteria provided, conflicting classifications (1 of 4 stars). 6 submissions from 6 submitters: Uncertain significance (4); Likely benign (2). Last evaluated 2025-10-05.

Conditions:
Aneurysm-osteoarthritis syndrome. Also called: LOEYS-DIETZ SYNDROME WITH OSTEOARTHRITIS; SMAD3-Related Loeys-Dietz Syndrome; ANEURYSMS-OSTEOARTHRITIS SYNDROME; Loeys-Dietz syndrome, type 1C. Identifiers: Orphanet 284984, MedGen C3151087, MONDO:0013426, OMIM 613795.
Familial thoracic aortic aneurysm and aortic dissection (TAAD). Also called: Thoracic aortic aneurysms and dissections. Identifiers: Orphanet 91387, MedGen C4707243, MONDO:0019625.

Allele frequency attached by ClinVar (database versions not stated): gnomAD exomes below 0.00001 and 0.00001; TOPMed 0.00001; gnomAD 0.00002; ExAC 0.00003.
gnomAD v4.1: 8 of 1,612,466 alleles (0.0005%); highest among the groups gnomAD compares: East Asian, 0.013%; no homozygotes.

Submissions (6):

Labcorp Genetics (formerly Invitae), Labcorp
Classification: Likely benign for Familial thoracic aortic aneurysm and aortic dissection. Last evaluated: 2025-10-05. Review status: criteria provided, single submitter. Criteria: Invitae Variant Classification Sherloc (09022015). Collection method: clinical testing. Allele origin: germline.

Ambry Genetics
Classification: Uncertain significance for Familial thoracic aortic aneurysm and aortic dissection. Last evaluated: 2025-07-21. Review status: criteria provided, single submitter. Criteria: Ambry Variant Classification Scheme 2023. Collection method: clinical testing. Allele origin: germline.
Comment: The p.Q222R variant (also known as c.665A>G), located in coding exon 6 of the SMAD3 gene, results from an A to G substitution at nucleotide position 665. The glutamine at codon 222 is replaced by arginine, an amino acid with highly similar properties, and is located in the linker domain. This amino acid position is highly conserved in available vertebrate species. In addition, the in silico prediction for this alteration is inconclusive. Since supporting evidence is limited at this time, the clinical significance of this alteration remains unclear.

Color Diagnostics, LLC DBA Color Health
Classification: Likely benign for Familial thoracic aortic aneurysm and aortic dissection. Last evaluated: 2024-10-07. Review status: criteria provided, single submitter. Criteria: ACMG Guidelines, 2015. Collection method: clinical testing. Allele origin: germline.

All of Us Research Program, National Institutes of Health
Classification: Uncertain significance for Aneurysm-osteoarthritis syndrome. Last evaluated: 2023-11-30. Review status: criteria provided, single submitter. Criteria: ACMG Guidelines, 2015. Collection method: clinical testing. Allele origin: germline. Inheritance: Autosomal dominant inheritance. Observed: 2 variant alleles, 2 heterozygotes.
Comment: This missense variant replaces glutamine with arginine at codon 222 of the SMAD3 protein. Computational prediction is inconclusive regarding the impact of this variant on protein structure and function (internally defined REVEL score threshold 0.5 < inconclusive < 0.7, PMID: 27666373). To our knowledge, functional studies have not been reported for this variant. This variant has not been reported in individuals affected with cardiovascular disorders in the literature. This variant has been identified in 6/281384 chromosomes in the general population by the Genome Aggregation Database (gnomAD). The available evidence is insufficient to determine the role of this variant in disease conclusively. Therefore, this variant is classified as a Variant of Uncertain Significance.

This study involves interpretation of variants in research participants for the purpose of population health screening. Participant phenotype was not available at the time of variant classification. Additional details can be found in publication PMID: 35346344, PMCID: PMC8962531

Department of Pathology and Laboratory Medicine, Sinai Health System
Classification: Uncertain significance for Aneurysm-osteoarthritis syndrome. Last evaluated: 2022-12-15. Review status: criteria provided, single submitter. Criteria: ACMG Guidelines, 2015. Collection method: research. Allele origin: germline.

Mayo Clinic Laboratories, Mayo Clinic
Classification: Uncertain significance. Last evaluated: 2019-05-20. Review status: criteria provided, single submitter. Criteria: ACMG Guidelines, 2015. Collection method: clinical testing. Allele origin: germline. Observed: 1 variant allele.

NM_005902.4(SMAD3):c.665A>G (p.Gln222Arg)

Gene: SMAD3 (SMAD family member 3; plus strand). Cytogenetic location: 15q22.33.
Variant type: single nucleotide variant.
Coding change: c.665A>G on transcript NM_005902.4 (MANE Select); coding-DNA position 665, A replaced by G.
Protein change: p.Gln222Arg; replaces glutamine 222 with arginine.
Molecular consequence: missense variant.
Genome position (GRCh38, 1-based): chr15:67,181,247, A>G. VCF-style: chr15-67181247-A-G. GRCh37 (hg19) VCF-style: chr15-67473585-A-G.
Other names: c.350A>G, p.Gln117Arg (NM_001145102.2); c.533A>G, p.Gln178Arg (NM_001145103.2); c.80A>G, p.Gln27Arg (NM_001145104.2); short protein forms Q178R, Q27R, Q117R, Q222R.
Identifiers: ClinVar variation 863087 (VCV000863087.22), dbSNP rs755924969, ClinGen allele CA062553.
Genomic context (GRCh38, chr15:67,181,247, plus strand): 5'-GGAGCATGGGGCTTGGGACACCCAATGACCCAGTAGCCCACCCTGTGTCCACAGACCTGC[A>G]GCCAGTTACCTACTGCGAGCCGGCCTTCTGGTGCTCCATCTCCTACTACGAGCTGAACCA-3'
Protein context (NP_005893.1, residues 212-232): MSPAHNNLDL[Gln222Arg]PVTYCEPAFW